The following is an entry in ClinVar:

ClinVar aggregate classification (germline): Benign/Likely benign. Review status: criteria provided, multiple submitters, no conflicts (2 of 4 stars). 4 submissions from 4 submitters: Benign (1); Likely benign (3). Last evaluated 2025-01-08.

Conditions:
Hereditary nonpolyposis colorectal neoplasms. Identifiers: MedGen C0009405, MeSH D003123.
Hereditary cancer-predisposing syndrome. Also called: Tumor predisposition; Neoplastic Syndromes, Hereditary; Hereditary neoplastic syndrome; Hereditary Cancer Syndrome. Identifiers: Orphanet 140162, MedGen C0027672, MeSH D009386, MONDO:0015356.
Lynch syndrome 5 (LYNCH5). Also called: Hereditary non-polyposis colorectal cancer, type 5; Colorectal cancer, hereditary nonpolyposis, type 5. Identifiers: Orphanet 144, MedGen C1833477, MONDO:0013710, OMIM 614350. Disease mechanism: loss of function.

Submissions (4):

Myriad Genetics, Inc.
Classification: Benign for Lynch syndrome 5. Last evaluated: 2025-01-08. Review status: criteria provided, single submitter. Criteria: Myriad Autosomal Dominant, Autosomal Recessive and X-Linked Classification Criteria (2023). Collection method: clinical testing. Allele origin: unknown.
Comment: This variant is considered benign. This variant is a silent/synonymous amino acid change and it is not expected to impact splicing.

Labcorp Genetics (formerly Invitae), Labcorp
Classification: Likely benign for Hereditary nonpolyposis colorectal neoplasms. Last evaluated: 2021-11-23. Review status: criteria provided, single submitter. Criteria: Invitae Variant Classification Sherloc (09022015). Collection method: clinical testing. Allele origin: germline.

Ambry Genetics
Classification: Likely benign for Hereditary cancer-predisposing syndrome. Last evaluated: 2021-04-02. Review status: criteria provided, single submitter. Criteria: Ambry Variant Classification Scheme 2023. Collection method: clinical testing. Allele origin: germline.

Color Diagnostics, LLC DBA Color Health
Classification: Likely benign for Hereditary cancer-predisposing syndrome. Last evaluated: 2018-01-17. Review status: criteria provided, single submitter. Criteria: ACMG Guidelines, 2015. Collection method: clinical testing. Allele origin: germline.

NM_000179.3(MSH6):c.3732A>G (p.Leu1244=)

Gene: MSH6 (mutS homolog 6; plus strand). Cytogenetic location: 2p16.3.
Variant type: single nucleotide variant.
Coding change: c.3732A>G on transcript NM_000179.3 (MANE Select); coding-DNA position 3732, A replaced by G.
Protein change: p.Leu1244=; no amino-acid change (leucine 1244 retained).
Molecular consequence: synonymous variant.
Genome position (GRCh38, 1-based): chr2:47,806,289, A>G. VCF-style: chr2-47806289-A-G. GRCh37 (hg19) VCF-style: chr2-48033428-A-G.
Other names: c.3342A>G, p.Leu1114= (NM_001281492.2); c.2826A>G, p.Leu942= (NM_001281493.2, NM_001281494.2).
Identifiers: ClinVar variation 631203 (VCV000631203.14), dbSNP rs1558392248, ClinGen allele CA425998088.
Genomic context (GRCh38, chr2:47,806,289, plus strand): 5'-GACGGCAATAGCAAATGCAGTTGTTAAAGAACTTGCTGAGACTATAAAATGTCGTACATT[A>G]TTTTCAACTCACTACCATTCATTAGTAGAAGATTATTCTCAAAATGTTGCTGTGCGCCTA-3'
Protein context (NP_000170.1, residues 1234-1254): ELAETIKCRT[Leu1244=]FSTHYHSLVE